The following is an entry in ClinVar:

ClinVar aggregate classification (germline): Uncertain significance (1 of 4 stars; one submission).

Conditions:
Tay-Sachs disease (TSD). Also called: HEXA Disorders; HEXA DEFICIENCY; GM2 gangliosidosis, type 1; Hexosaminidase alpha-subunit deficiency (variant B); Sphingolipidosis, Tay-Sachs; Hexosaminidase A Deficiency. Identifiers: Orphanet 845, MedGen C0039373, MONDO:0010100, OMIM 272800.

Allele frequency attached by ClinVar (database versions not stated): gnomAD exomes below 0.00001.

Submission:

Labcorp Genetics (formerly Invitae), Labcorp
Classification: Uncertain significance for Tay-Sachs disease. Last evaluated: 2022-02-18. Review status: criteria provided, single submitter. Criteria: Invitae Variant Classification Sherloc (09022015). Collection method: clinical testing. Allele origin: germline.
Comment: This sequence change replaces serine, which is neutral and polar, with threonine, which is neutral and polar, at codon 309 of the HEXA protein (p.Ser309Thr). In summary, the available evidence is currently insufficient to determine the role of this variant in disease. Therefore, it has been classified as a Variant of Uncertain Significance. Algorithms developed to predict the effect of missense changes on protein structure and function output the following: SIFT: "Tolerated"; PolyPhen-2: "Benign"; Align-GVGD: "Class C0". The threonine amino acid residue is found in multiple mammalian species, which suggests that this missense change does not adversely affect protein function. This variant has not been reported in the literature in individuals affected with HEXA-related conditions. This variant is not present in population databases (gnomAD no frequency).

NM_000520.6(HEXA):c.926G>C (p.Ser309Thr)

Gene: HEXA (hexosaminidase subunit alpha; minus strand). Cytogenetic location: 15q23.
Variant type: single nucleotide variant.
Coding change: c.926G>C on transcript NM_000520.6 (MANE Select); coding-DNA position 926, G replaced by C.
Protein change: p.Ser309Thr; replaces serine 309 with threonine.
Molecular consequence: missense variant. On other transcripts: non-coding transcript variant (1).
Genome position (GRCh38, 1-based): chr15:72,349,139, C>G on the plus strand (G>C on the coding strand, the complement: HEXA is on the minus strand). VCF-style: chr15-72349139-C-G. GRCh37 (hg19) VCF-style: chr15-72641480-C-G.
Other names: c.959G>C, p.Ser320Thr (NM_001318825.2); short protein forms S309T, S320T.
Identifiers: ClinVar variation 1978092 (VCV001978092.4), dbSNP rs2088661242, ClinGen allele CA393062342.